The following is an entry in ClinVar:

NM_001110556.2(FLNA):c.2123G>A (p.Arg708Gln)

Gene: FLNA (filamin A; minus strand). Cytogenetic location: Xq28.
Variant type: single nucleotide variant.
Coding change: c.2123G>A on transcript NM_001110556.2 (MANE Select); coding-DNA position 2123, G replaced by A.
Protein change: p.Arg708Gln; replaces arginine 708 with glutamine.
Molecular consequence: missense variant.
Genome position (GRCh38, 1-based): chrX:154,364,272, C>T on the plus strand (G>A on the coding strand, the complement: FLNA is on the minus strand). VCF-style: chrX-154364272-C-T. GRCh37 (hg19) VCF-style: chrX-153592640-C-T.
Other names: p.R708Q:CGG>CAG; p.Arg708Gln; c.2123G>A, p.Arg708Gln (NM_001456.4); short protein forms R708Q.
Identifiers: ClinVar variation 213463 (VCV000213463.22), dbSNP rs371707134, ClinGen allele CA322638.

ClinVar aggregate classification (germline): Conflicting classifications of pathogenicity. Review status: criteria provided, conflicting classifications (1 of 4 stars). 6 submissions from 6 submitters: Uncertain significance (3); Benign (1); Likely benign (2). Last evaluated 2025-12-27.

Conditions:
Oto-palato-digital syndrome, type II (OPD2). Also called: Otopalatodigital Syndrome, Type II; FACIOPALATOOSSEOUS SYNDROME; OPD II SYNDROME; Otopalatodigital Syndrome Type 2 (FLNA-OPD2). Identifiers: Orphanet 669, Orphanet 90652, MedGen C1844696, MONDO:0010571, OMIM 304120.
Frontometaphyseal dysplasia (FMD1). Identifiers: Orphanet 1826, MedGen C0265293, MONDO:0015942.
Heterotopia, periventricular, X-linked dominant (PVNH1). Also called: PERIVENTRICULAR NODULAR HETEROTOPIA 1; X-linked periventricular heterotopia; PERIVENTRICULAR NODULAR HETEROTOPIA 4; HETEROTOPIA, PERIVENTRICULAR, 1. Identifiers: Orphanet 2149, Orphanet 82004, MedGen C1848213, MONDO:0010233, OMIM 300049.
Melnick-Needles syndrome (MNS). Also called: MELNICK-NEEDLES OSTEODYSPLASTY; OSTEODYSPLASTY OF MELNICK AND NEEDLES; Melnick-Needles Syndrome (FLNA-MNS). Identifiers: Orphanet 2484, MedGen C0025237, MONDO:0010650, OMIM 309350.
Familial thoracic aortic aneurysm and aortic dissection (TAAD). Also called: Thoracic aortic aneurysms and dissections. Identifiers: Orphanet 91387, MedGen C4707243, MONDO:0019625.

Allele frequency attached by ClinVar (database versions not stated): gnomAD exomes 0.00001 and 0.00003; ExAC 0.00002; gnomAD 0.00005 and 0.00009; ESP Exome Variant Server 0.00010; TOPMed 0.00013.
gnomAD v4.1: 23 of 1,209,156 alleles (0.0019%); highest among the groups gnomAD compares: African/African-American, 0.014%; no homozygotes.

Submissions (6):

Labcorp Genetics (formerly Invitae), Labcorp
Classification: Benign for Oto-palato-digital syndrome, type II; Heterotopia, periventricular, X-linked dominant; Frontometaphyseal dysplasia; Melnick-Needles syndrome. Last evaluated: 2025-12-27. Review status: criteria provided, single submitter. Criteria: Invitae Variant Classification Sherloc (09022015). Collection method: clinical testing. Allele origin: germline.

Mayo Clinic Laboratories, Mayo Clinic
Classification: Likely benign. Last evaluated: 2024-10-22. Review status: criteria provided, single submitter. Criteria: ACMG Guidelines, 2015. Collection method: clinical testing. Allele origin: germline. Observed: 1 variant allele.
Comment: BS2, BP4, PM1_supporting

Revvity Omics, Revvity
Classification: Uncertain significance. Last evaluated: 2022-07-06. Review status: criteria provided, single submitter. Criteria: ACMG Guidelines, 2015. Collection method: clinical testing. Allele origin: germline.

Genetic Services Laboratory, University of Chicago
Classification: Uncertain significance. Last evaluated: 2019-07-29. Review status: criteria provided, single submitter. Criteria: ACMG Guidelines, 2015. Collection method: clinical testing. Allele origin: germline. Affected: no.

GeneDx
Classification: Likely benign. Last evaluated: 2019-04-29. Review status: criteria provided, single submitter. Criteria: GeneDx Variant Classification Process June 2021. Collection method: clinical testing. Allele origin: germline. Affected: yes.

Ambry Genetics
Classification: Uncertain significance for Familial thoracic aortic aneurysm and aortic dissection. Last evaluated: 2016-10-03. Review status: criteria provided, single submitter. Criteria: Ambry Variant Classification Scheme 2023. Collection method: clinical testing. Allele origin: germline.
Comment: The p.R708Q variant (also known as c.2123G>A), located in coding exon 13 of the FLNA gene, results from a G to A substitution at nucleotide position 2123. The arginine at codon 708 is replaced by glutamine, an amino acid with highly similar properties. This variant was previously reported in the SNPDatabase as rs371707134. Based on data from the NHLBI Exome Sequencing Project (ESP), the A allele was absent out of 2377 total male alleles studied. This amino acid position is poorly conserved in available vertebrate species. In addition, this alteration is predicted to be tolerated by in silico analysis. Since supporting evidence is limited at this time, the clinical significance of this variant remains unclear.